The following is an entry in ClinVar:

NM_014915.3(ANKRD26):c.2266A>G (p.Met756Val)

Gene: ANKRD26 (ankyrin repeat domain 26; minus strand). Cytogenetic location: 10p12.1.
Variant type: single nucleotide variant.
Coding change: c.2266A>G on transcript NM_014915.3 (MANE Select); coding-DNA position 2266, A replaced by G.
Protein change: p.Met756Val; replaces methionine 756 with valine.
Molecular consequence: missense variant.
Genome position (GRCh38, 1-based): chr10:27,040,074, T>C on the plus strand (A>G on the coding strand, the complement: ANKRD26 is on the minus strand). VCF-style: chr10-27040074-T-C. GRCh37 (hg19) VCF-style: chr10-27329003-T-C.
Other names: c.2263A>G, p.Met755Val (NM_001256053.2); short protein forms M755V, M756V.
Identifiers: ClinVar variation 2779454 (VCV002779454.3), dbSNP rs2538810024, ClinGen allele CA376367511.

ClinVar aggregate classification (germline): Uncertain significance (1 of 4 stars; one submission).

Allele frequency attached by ClinVar (database versions not stated): gnomAD exomes 0.00001.
gnomAD v4.1: 3 of 1,612,816 alleles (0.00019%); highest among the groups gnomAD compares: East Asian, 0.0045%; no homozygotes.

Submission:

Labcorp Genetics (formerly Invitae), Labcorp
Classification: Uncertain significance. Last evaluated: 2023-06-04. Review status: criteria provided, single submitter. Criteria: Invitae Variant Classification Sherloc (09022015). Collection method: clinical testing. Allele origin: germline.
Comment: In summary, the available evidence is currently insufficient to determine the role of this variant in disease. Therefore, it has been classified as a Variant of Uncertain Significance. Algorithms developed to predict the effect of missense changes on protein structure and function output the following: SIFT: "Not Available"; PolyPhen-2: "Benign"; Align-GVGD: "Not Available". The valine amino acid residue is found in multiple mammalian species, which suggests that this missense change does not adversely affect protein function. This variant has not been reported in the literature in individuals affected with ANKRD26-related conditions. This variant is not present in population databases (gnomAD no frequency). This sequence change replaces methionine, which is neutral and non-polar, with valine, which is neutral and non-polar, at codon 756 of the ANKRD26 protein (p.Met756Val).